The following is an entry in ClinVar:

NM_001267550.2(TTN):c.30230C>T (p.Pro10077Leu)

Gene: TTN (titin; minus strand). Cytogenetic location: 2q31.2.
Variant type: single nucleotide variant.
Coding change: c.30230C>T on transcript NM_001267550.2 (MANE Select); coding-DNA position 30230, C replaced by T.
Protein change: p.Pro10077Leu; replaces proline 10077 with leucine.
Molecular consequence: missense variant. On other transcripts: intron variant (3).
Genome position (GRCh38, 1-based): chr2:178,702,657, G>A on the plus strand (C>T on the coding strand, the complement: TTN is on the minus strand). VCF-style: chr2-178702657-G-A. GRCh37 (hg19) VCF-style: chr2-179567384-G-A.
Other names: c.29279C>T, p.Pro9760Leu (NM_001256850.1); c.26498C>T, p.Pro8833Leu (NM_133378.4); c.13282+35425C>T (NM_003319.4); c.13858+35425C>T (NM_133437.4); c.13657+35425C>T (NM_133432.3); short protein forms P10077L, P8833L, P9760L.
Identifiers: ClinVar variation 332900 (VCV000332900.10), dbSNP rs374075627, ClinGen allele CA1999202.
Genomic context (GRCh38, chr2:178,702,657, plus strand): 5'-AAGGTGGCAGACTGATGCTCACTCACCACGATGTTCTGTATGCGCTTTGTAAACTGAATT[G>A]GTTCAGCTGTTTAAGTACAAAGAGGGTTCAAAGTTAGATTATATAGAGAGGAATTTCTTT-3'
Protein context (NP_001254479.2, residues 10067-10087): TSAELRIEAE[Pro10077Leu]IQFTKRIQNI

ClinVar aggregate classification (germline): Conflicting classifications of pathogenicity. Review status: criteria provided, conflicting classifications (1 of 4 stars). 8 submissions from 4 submitters: Uncertain significance (5); Likely benign (3). Last evaluated 2024-12-09.

Conditions:
Early-onset myopathy with fatal cardiomyopathy (CMYO5). Also called: CONGENITAL MYOPATHY 5 WITH CARDIOMYOPATHY; Salih Myopathy. Identifiers: Orphanet 289377, MedGen C2673677, MONDO:0012714, OMIM 611705. Disease mechanism: loss of function.
Myopathy, myofibrillar, 9, with early respiratory failure (MFM9). Also called: Myopathy, distal, with early respiratory failure, autosomal dominant; Hereditary myopathy with early respiratory failure; EDSTROM MYOPATHY; MYOPATHY, PROXIMAL, WITH EARLY RESPIRATORY MUSCLE INVOLVEMENT. Identifiers: Orphanet 178464, Orphanet 34521, MedGen C1863599, MONDO:0011362, OMIM 603689.
Dilated cardiomyopathy 1G (CMD1G). Identifiers: Orphanet 154, MedGen C1858763, MONDO:0011400, OMIM 604145.
Tibial muscular dystrophy (TMD). Also called: Udd Distal Myopathy – Tibial Muscular Dystrophy; UDD MYOPATHY; Tibial muscular dystrophy, tardive. Identifiers: Orphanet 609, MedGen C1838244, MONDO:0010870, OMIM 600334.
Autosomal recessive limb-girdle muscular dystrophy type 2J (LGMDR10). Also called: MUSCULAR DYSTROPHY, LIMB-GIRDLE, AUTOSOMAL RECESSIVE 10; Limb-girdle muscular dystrophy, type 2J. Identifiers: Orphanet 140922, MedGen C1837342, MONDO:0012127, OMIM 608807.

Allele frequency attached by ClinVar (database versions not stated): gnomAD 0.00005; TOPMed 0.00006; ExAC 0.00007; ESP Exome Variant Server 0.00008; gnomAD exomes 0.00009.
gnomAD v4.1: 114 of 1,611,934 alleles (0.0071%); highest among the groups gnomAD compares: Admixed American, 0.01%; no homozygotes.

Submissions (8):

Women's Health and Genetics/Laboratory Corporation of America, LabCorp
Classification: Uncertain significance. Last evaluated: 2024-12-09. Review status: criteria provided, single submitter. Criteria: LabCorp Variant Classification Summary - May 2015. Collection method: clinical testing. Allele origin: germline.
Comment: Variant summary: TTN c.26498C>T (p.Pro8833Leu) results in a non-conservative amino acid change in the encoded protein sequence. Two of three in-silico tools predict a damaging effect of the variant on protein function. The variant allele was found at a frequency of 8.9e-05 in 248222 control chromosomes. This frequency is not significantly higher than estimated for a pathogenic variant in TTN causing Dilated Cardiomyopathy (8.9e-05 vs 0.00039), allowing no conclusion about variant significance. c.26498C>T has been reported in an unknown zygosity along with several other genetic variations the literature in at least 1 individual affected with idiopathic ventricular tachycardia (example, Guelly_2021). These report(s) do not provide unequivocal conclusions about association of the variant with TTN-related conditions. To our knowledge, no experimental evidence demonstrating an impact on protein function has been reported. The following publication has been ascertained in the context of this evaluation (PMID: 33552729). ClinVar contains an entry for this variant (Variation ID: 332900). Based on the evidence outlined above, the variant was classified as uncertain significance.

Revvity Omics, Revvity
Classification: Uncertain significance. Last evaluated: 2021-12-15. Review status: criteria provided, single submitter. Criteria: ACMG Guidelines, 2015. Collection method: clinical testing. Allele origin: germline.

GeneDx
Classification: Likely benign. Last evaluated: 2019-03-07. Review status: criteria provided, single submitter. Criteria: GeneDx Variant Classification Process June 2021. Collection method: clinical testing. Allele origin: germline. Affected: yes.

Illumina Laboratory Services, Illumina
Classification: Likely benign for Tibial muscular dystrophy. Last evaluated: 2018-01-13. Review status: criteria provided, single submitter. Criteria: ICSL Variant Classification Criteria 13 December 2019. Collection method: clinical testing. Allele origin: germline.
Comment: This variant was observed in the ICSL laboratory as part of a predisposition screen in an ostensibly healthy population. It had not been previously curated by ICSL or reported in the Human Gene Mutation Database (HGMD: prior to June 1st, 2018), and was therefore a candidate for classification through an automated scoring system. Utilizing variant allele frequency, disease prevalence and penetrance estimates, and inheritance mode, an automated score was calculated to assess if this variant is too frequent to cause the disease. Based on the score and internal cut-off values, a variant classified as likely benign is not then subjected to further curation. The score for this variant resulted in a classification of likely benign for this disease.

Illumina Laboratory Services, Illumina
Classification: Likely benign for Myopathy, myofibrillar, 9, with early respiratory failure. Last evaluated: 2018-01-13. Review status: criteria provided, single submitter. Criteria: ICSL Variant Classification Criteria 13 December 2019. Collection method: clinical testing. Allele origin: germline.
Comment: the same text as in the submission from Illumina Laboratory Services, Illumina above.

Illumina Laboratory Services, Illumina
Classification: Uncertain significance for Early-onset myopathy with fatal cardiomyopathy. Last evaluated: 2018-01-13. Review status: criteria provided, single submitter. Criteria: ICSL Variant Classification Criteria 13 December 2019. Collection method: clinical testing. Allele origin: germline.

Illumina Laboratory Services, Illumina
Classification: Uncertain significance for Autosomal recessive limb-girdle muscular dystrophy type 2J. Last evaluated: 2018-01-13. Review status: criteria provided, single submitter. Criteria: ICSL Variant Classification Criteria 13 December 2019. Collection method: clinical testing. Allele origin: germline.

Illumina Laboratory Services, Illumina
Classification: Uncertain significance for Dilated cardiomyopathy 1G. Last evaluated: 2018-01-13. Review status: criteria provided, single submitter. Criteria: ICSL Variant Classification Criteria 13 December 2019. Collection method: clinical testing. Allele origin: germline.

Literature cited by the submitters: PubMed 33552729 (cited by Women's Health and Genetics/Laboratory Corporation of America, LabCorp).